The following is an entry in ClinVar:

ClinVar aggregate classification (germline): Likely benign. Review status: criteria provided, multiple submitters, no conflicts (2 of 4 stars). 3 submissions from 3 submitters: Likely benign (2). 1 of the submissions does not count toward it. Last evaluated 2025-02-17.

Conditions:
ITK-related disorder. Also called: ITK-related condition.
Lymphoproliferative syndrome 1 (LPFS1). Identifiers: Orphanet 238505, Orphanet 538963, MedGen C3552634, MONDO:0013081, OMIM 613011.

Allele frequency attached by ClinVar (database versions not stated): ExAC 0.00001.

Submissions (3):

Labcorp Genetics (formerly Invitae), Labcorp
Classification: Likely benign for Lymphoproliferative syndrome 1. Last evaluated: 2025-02-17. Review status: criteria provided, single submitter. Criteria: Invitae Variant Classification Sherloc (09022015). Collection method: clinical testing. Allele origin: germline.

Blueprint Genetics
Classification: Likely benign. Last evaluated: 2023-09-25. Review status: criteria provided, single submitter. Criteria: ACMG Guidelines, 2015. Collection method: clinical testing. Allele origin: germline.

PreventionGenetics, part of Exact Sciences
Classification: Likely benign for ITK-related condition. Last evaluated: 2023-01-27. Review status: no assertion criteria provided. Collection method: clinical testing. Allele origin: germline. Not counted in ClinVar's aggregate classification.
Comment: This variant is classified as likely benign based on ACMG/AMP sequence variant interpretation guidelines (Richards et al. 2015 PMID: 25741868, with internal and published modifications).

NM_005546.4(ITK):c.714-9T>C

Gene: ITK (IL2 inducible T cell kinase; plus strand). Cytogenetic location: 5q33.3.
Variant type: single nucleotide variant.
Coding change: c.714-9T>C on transcript NM_005546.4 (MANE Select); 9 bases into the intron before coding-DNA position 714, T replaced by C.
Molecular consequence: intron variant.
Genome position (GRCh38, 1-based): chr5:157,232,331, T>C. VCF-style: chr5-157232331-T-C. GRCh37 (hg19) VCF-style: chr5-156659341-T-C.
Identifiers: ClinVar variation 3029882 (VCV003029882.4), dbSNP rs761319578, ClinGen allele CA3532870.